The following is an entry in ClinVar:

NM_052947.4(ALPK2):c.5744G>C (p.Arg1915Pro)

Gene: ALPK2 (alpha kinase 2; minus strand). Cytogenetic location: 18q21.31.
Variant type: single nucleotide variant.
Coding change: c.5744G>C on transcript NM_052947.4 (MANE Select); coding-DNA position 5744, G replaced by C.
Protein change: p.Arg1915Pro; replaces arginine 1915 with proline.
Molecular consequence: missense variant.
Genome position (GRCh38, 1-based): chr18:58,517,104, C>G on the plus strand (G>C on the coding strand, the complement: ALPK2 is on the minus strand). VCF-style: chr18-58517104-C-G. GRCh37 (hg19) VCF-style: chr18-56184336-C-G.
Other names: short protein forms R1915P.
Identifiers: ClinVar variation 2449282 (VCV002449282.2), dbSNP rs140586410, ClinGen allele CA402548990.
Genomic context (GRCh38, chr18:58,517,104, plus strand): 5'-CGGAAGGCTTTGCGGTGAACCCCTTCTCCAAAGTGCAGCTCCTCCGTGGCGATCTGACCA[C>G]GCAGGCGGCCCCCAAAGTAGCTGTCATGGAGGAAGTCTTCTTTGAAGATGAGTTGGCTGA-3'
Protein context (NP_443179.3, residues 1905-1925): LHDSYFGGRL[Arg1915Pro]GQIATEELHF

ClinVar aggregate classification (germline): Uncertain significance (1 of 4 stars; one submission).

gnomAD v4.1: 9 of 1,614,228 alleles (0.00056%); highest among the groups gnomAD compares: Non-Finnish European, 0.00076%; no homozygotes.

Submission:

Ambry Genetics
Classification: Uncertain significance. Last evaluated: 2023-02-12. Review status: criteria provided, single submitter. Criteria: Ambry Variant Classification Scheme 2023. Collection method: clinical testing. Allele origin: germline.
Comment: The p.R1915P variant (also known as c.5744G>C), located in coding exon 8 of the ALPK2 gene, results from a G to C substitution at nucleotide position 5744. The arginine at codon 1915 is replaced by proline, an amino acid with dissimilar properties. This amino acid position is conserved. In addition, this alteration is predicted to be tolerated by in silico analysis. Since supporting evidence is limited at this time, the clinical significance of this alteration remains unclear.